The following is an entry in ClinVar:

ClinVar aggregate classification (germline): Conflicting classifications of pathogenicity. Review status: criteria provided, conflicting classifications (1 of 4 stars). 8 submissions from 7 submitters: Uncertain significance (7); Benign (1). Last evaluated 2025-01-29.

Conditions:
NOTCH1-related disorder. Also called: NOTCH1-related condition; NOTCH1-related disorders.
Adams-Oliver syndrome 5 (AOS5). Identifiers: Orphanet 974, MedGen C4014970, MONDO:0014459, OMIM 616028.
Aortic valve disease 1 (AOVD1). Identifiers: MedGen C3887892, MONDO:0024523, OMIM 109730.
Familial thoracic aortic aneurysm and aortic dissection (TAAD). Also called: Thoracic aortic aneurysms and dissections. Identifiers: Orphanet 91387, MedGen C4707243, MONDO:0019625.

Allele frequency attached by ClinVar (database versions not stated): ExAC 0.00002; gnomAD exomes 0.00002 and 0.00003; TOPMed 0.00002.
gnomAD v4.1: 37 of 1,612,982 alleles (0.0023%); highest among the groups gnomAD compares: Non-Finnish European, 0.0027%; no homozygotes.

Submissions (8):

Labcorp Genetics (formerly Invitae), Labcorp
Classification: Benign for Adams-Oliver syndrome 5. Last evaluated: 2025-01-29. Review status: criteria provided, single submitter. Criteria: Invitae Variant Classification Sherloc (09022015). Collection method: clinical testing. Allele origin: germline.

Blueprint Genetics
Classification: Uncertain significance. Last evaluated: 2024-03-07. Review status: criteria provided, single submitter. Criteria: ACMG Guidelines, 2015. Collection method: clinical testing. Allele origin: germline.

PreventionGenetics, part of Exact Sciences
Classification: Uncertain significance for NOTCH1-related condition. Last evaluated: 2022-08-26. Review status: criteria provided, single submitter. Criteria: ACMG Guidelines, 2015. Collection method: clinical testing. Allele origin: germline.
Comment: The NOTCH1 c.775G>A variant is predicted to result in the amino acid substitution p.Asp259Asn. To our knowledge, this variant has not been reported in the literature. This variant is reported in 0.0065% of alleles in individuals of African descent in gnomAD. At this time, the clinical significance of this variant is uncertain due to the absence of conclusive functional and genetic evidence.

Genome-Nilou Lab
Classification: Uncertain significance for Adams-Oliver syndrome 5. Last evaluated: 2022-03-15. Review status: criteria provided, single submitter. Criteria: ACMG Guidelines, 2015. Collection method: clinical testing. Allele origin: germline. Affected: no.

Genome-Nilou Lab
Classification: Uncertain significance for Aortic valve disease 1. Last evaluated: 2022-03-15. Review status: criteria provided, single submitter. Criteria: ACMG Guidelines, 2015. Collection method: clinical testing. Allele origin: germline. Affected: no.

Fulgent Genetics
Classification: Uncertain significance for Aortic valve disease 1; Adams-Oliver syndrome 5. Last evaluated: 2018-10-31. Review status: criteria provided, single submitter. Criteria: ACMG Guidelines, 2015. Collection method: clinical testing. Allele origin: unknown.

GeneDx
Classification: Uncertain significance. Last evaluated: 2017-09-20. Review status: criteria provided, single submitter. Criteria: GeneDx Variant Classification (06012015). Collection method: clinical testing. Allele origin: germline. Affected: yes.
Comment: A variant of uncertain significance has been identified in the NOTCH1 gene. The D259N variant has not been published as pathogenic or been reported as benign to our knowledge. This variant is not observed at a significant frequency in large population cohorts (Lek et al., 2016). The D259N variant is a semi-conservative amino acid substitution, which may impact secondary protein structure as these residues differ in some properties. This substitution occurs at a position that is conserved across most species, and in silico analysis predicts this variant is probably damaging to the protein structure/function.

Ambry Genetics
Classification: Uncertain significance for Familial thoracic aortic aneurysm and aortic dissection. Last evaluated: 2015-05-22. Review status: criteria provided, single submitter. Criteria: Ambry Variant Classification Scheme 2023. Collection method: clinical testing. Allele origin: germline.
Comment: The p.D259N variant (also known as c.775G>A), located in coding exon 5 of the NOTCH1 gene, results from a G to A substitution at nucleotide position 775. The aspartic acid at codon 259 is replaced by asparagine, an amino acid with highly similar properties. This variant was not reported in population based cohorts in the following databases: Database of Single Nucleotide Polymorphisms (dbSNP), NHLBI Exome Sequencing Project (ESP), and 1000 Genomes Project. In the ESP, this variant was not observed in 6246 samples (12492 alleles) with coverage at this position. This amino acid position is highly conserved in available vertebrate species. In addition, this alteration is predicted to be tolerated by in silico analysis. Since supporting evidence is limited at this time, the clinical significance of this variant remains unclear.

NM_017617.5(NOTCH1):c.775G>A (p.Asp259Asn)

Gene: NOTCH1 (notch receptor 1; minus strand). Cytogenetic location: 9q34.3.
Variant type: single nucleotide variant.
Coding change: c.775G>A on transcript NM_017617.5 (MANE Select); coding-DNA position 775, G replaced by A.
Protein change: p.Asp259Asn; replaces aspartic acid 259 with asparagine.
Molecular consequence: missense variant.
Genome position (GRCh38, 1-based): chr9:136,519,533, C>T on the plus strand (G>A on the coding strand, the complement: NOTCH1 is on the minus strand). VCF-style: chr9-136519533-C-T. GRCh37 (hg19) VCF-style: chr9-139413985-C-T.
Other names: c.775G>A, p.Asp259Asn (LRG_1122t1); c.775G>A (NM_017617.4); short protein forms D259N.
Identifiers: ClinVar variation 264044 (VCV000264044.20), dbSNP rs763187824, ClinGen allele CA5342042.